The following is an entry in ClinVar:

ClinVar aggregate classification (germline): Uncertain significance (1 of 4 stars; one submission).

Conditions:
Holoprosencephaly 5 (HPE5). Identifiers: Orphanet 2162, MedGen C1864827, MONDO:0012322, OMIM 609637.

Submission:

Labcorp Genetics (formerly Invitae), Labcorp
Classification: Uncertain significance for Holoprosencephaly 5. Last evaluated: 2021-06-12. Review status: criteria provided, single submitter. Criteria: Invitae Variant Classification Sherloc (09022015). Collection method: clinical testing. Allele origin: germline.
Comment: In summary, the available evidence is currently insufficient to determine the role of this variant in disease. Therefore, it has been classified as a Variant of Uncertain Significance. Experimental studies and prediction algorithms are not available or were not evaluated, and the functional significance of this variant is currently unknown. This variant has not been reported in the literature in individuals with ZIC2-related conditions. This variant is not present in population databases (ExAC no frequency). This variant, c.1386_1406dup, results in the insertion of 7 amino acid(s) to the ZIC2 protein (p.Ala464_Ala470dup), but otherwise preserves the integrity of the reading frame.

NM_007129.5(ZIC2):c.1386_1406dup (p.Ala464_Ala470dup)

Genes: ZIC2 (Zic family zinc finger 2; plus strand), LOC110008580 (Zic family member 2 polyalanine repeat instability region; plus strand). Cytogenetic location: 13q32.3.
Variant type: Duplication.
Coding change: c.1386_1406dup on transcript NM_007129.5 (MANE Select); coding-DNA positions 1386 to 1406, 21 bases duplicated (GGCGGCTGCGGCGGCGGCGGC).
Protein change: p.Ala464_Ala470dup.
Molecular consequence: inframe insertion.
Genome position (GRCh38, 1-based): chr13:99,985,469-99,985,489, GGCGGCTGCGGCGGCGGCGGC duplicated; duplicating any 21 consecutive bases within chr13:99,985,461-99,985,489 gives the same sequence; the c. name uses the placement nearest the transcript's 3' end. VCF-style (leftmost placement, unchanged base first): chr13-99985460-A-AGCGGCGGCGGCGGCTGCGGCG. GRCh37 (hg19) VCF-style: chr13-100637714-A-AGCGGCGGCGGCGGCTGCGGCG.
Identifiers: ClinVar variation 1463663 (VCV001463663.8), dbSNP rs761822481, ClinGen allele CA2573149787.